The following is an entry in ClinVar:

NM_020134.4(DPYSL5):c.368A>G (p.Lys123Arg)

Gene: DPYSL5 (dihydropyrimidinase like 5; plus strand). Cytogenetic location: 2p23.3.
Variant type: single nucleotide variant.
Coding change: c.368A>G on transcript NM_020134.4 (MANE Select); coding-DNA position 368, A replaced by G.
Protein change: p.Lys123Arg; replaces lysine 123 with arginine.
Molecular consequence: missense variant.
Genome position (GRCh38, 1-based): chr2:26,924,993, A>G. VCF-style: chr2-26924993-A-G. GRCh37 (hg19) VCF-style: chr2-27147861-A-G.
Other names: c.368A>G, p.Lys123Arg (NM_001253723.2, NM_001253724.2); short protein forms K123R.
Identifiers: ClinVar variation 3085687 (VCV003085687.2), dbSNP rs1239794444, ClinGen allele CA346150083.

ClinVar aggregate classification (germline): Uncertain significance. Review status: criteria provided, multiple submitters, no conflicts (2 of 4 stars). 2 submissions from 2 submitters: Uncertain significance (2). Last evaluated 2026-04-27.

Conditions:
Inborn genetic diseases. Identifiers: MedGen C0950123, MeSH D030342.

Allele frequency attached by ClinVar (database versions not stated): TOPMed below 0.00001; gnomAD 0.00001.
gnomAD v4.1: 2 of 1,614,028 alleles (0.00012%); highest among the groups gnomAD compares: Non-Finnish European, 0.000085%; no homozygotes.

Submissions (2):

Women's Health and Genetics/Laboratory Corporation of America, LabCorp
Classification: Uncertain significance. Last evaluated: 2026-04-27. Review status: criteria provided, single submitter. Criteria: LabCorp Variant Classification Summary - May 2015. Collection method: clinical testing. Allele origin: germline.
Comment: Variant summary: DPYSL5 c.368A>G (p.Lys123Arg) results in a conservative amino acid change in the encoded protein sequence. Algorithms developed to predict the effect of missense changes on protein structure and function are either unavailable or do not agree on the potential impact of this missense change. The variant was absent in 251222 control chromosomes. The available data on variant occurrences in the general population are insufficient to allow any conclusion about variant significance. To our knowledge, no occurrence of c.368A>G in individuals affected with DPYSL5-related conditions and no experimental evidence demonstrating its impact on protein function have been reported. ClinVar contains an entry for this variant (Variation ID: 3085687). Based on the evidence outlined above, the variant was classified as uncertain significance.

Ambry Genetics
Classification: Uncertain significance for Inborn genetic diseases. Last evaluated: 2023-10-10. Review status: criteria provided, single submitter. Criteria: Ambry Variant Classification Scheme 2023. Collection method: clinical testing. Allele origin: germline.